The following is an entry in ClinVar:

ClinVar aggregate classification (germline): Likely pathogenic (1 of 4 stars; one submission).

Allele frequency attached by ClinVar (database versions not stated): gnomAD exomes below 0.00001.
gnomAD v4.1: 2 of 1,523,698 alleles (0.00013%); highest among the groups gnomAD compares: Non-Finnish European, 0.00018%; no homozygotes.

Submission:

Labcorp Genetics (formerly Invitae), Labcorp
Classification: Likely pathogenic. Last evaluated: 2023-05-30. Review status: criteria provided, single submitter. Criteria: Invitae Variant Classification Sherloc (09022015). Collection method: clinical testing. Allele origin: germline.
Comment: In summary, the currently available evidence indicates that the variant is pathogenic, but additional data are needed to prove that conclusively. Therefore, this variant has been classified as Likely Pathogenic. Algorithms developed to predict the effect of sequence changes on RNA splicing suggest that this variant may disrupt the consensus splice site. This variant has not been reported in the literature in individuals affected with VPS13A-related conditions. This variant is not present in population databases (gnomAD no frequency). This sequence change affects an acceptor splice site in intron 47 of the VPS13A gene. It is expected to disrupt RNA splicing. Variants that disrupt the donor or acceptor splice site typically lead to a loss of protein function (PMID: 16199547), and loss-of-function variants in VPS13A are known to be pathogenic (PMID: 12404112, 21598378).

Literature cited by the submitters: PubMed 16199547; PubMed 12404112; PubMed 21598378.

NM_033305.3(VPS13A):c.6379-2A>G

Gene: VPS13A (vacuolar protein sorting 13 homolog A; plus strand). Cytogenetic location: 9q21.2.
Variant type: single nucleotide variant.
Coding change: c.6379-2A>G on transcript NM_033305.3 (MANE Select); the canonical splice acceptor site of the intron before coding-DNA position 6379, A replaced by G.
Molecular consequence: splice acceptor variant.
Genome position (GRCh38, 1-based): chr9:77,339,514, A>G. VCF-style: chr9-77339514-A-G. GRCh37 (hg19) VCF-style: chr9-79954430-A-G.
Other names: c.6262-2A>G (NM_001018037.2); c.6379-2A>G (NM_015186.4, NM_001018038.3).
Identifiers: ClinVar variation 2809308 (VCV002809308.3), dbSNP rs2538074773, ClinGen allele CA373849772.